The following is an entry in ClinVar:

NM_001134363.3(RBM20):c.1400C>G (p.Thr467Arg)

Gene: RBM20 (RNA binding motif protein 20; plus strand). Cytogenetic location: 10q25.2.
Variant type: single nucleotide variant.
Coding change: c.1400C>G on transcript NM_001134363.3 (MANE Select); coding-DNA position 1400, C replaced by G.
Protein change: p.Thr467Arg; replaces threonine 467 with arginine.
Molecular consequence: missense variant.
Genome position (GRCh38, 1-based): chr10:110,784,403, C>G. VCF-style: chr10-110784403-C-G. GRCh37 (hg19) VCF-style: chr10-112544161-C-G.
Other names: short protein forms T467R.
Identifiers: ClinVar variation 538020 (VCV000538020.18), dbSNP rs775062085, ClinGen allele CA5688595.
Genomic context (GRCh38, chr10:110,784,403, plus strand): 5'-CTGGCATCCGGTGTATACTTGGTTCGGCAGAGGGAACATTGTGTGCTTCTCCCAACAGCA[C>G]AGCTGTTTATAACCCTGCTGGGAATGAAGGTGAGCAAGGCCCTACAGGTCAGCAGCTTGA-3'
Protein context (NP_001127835.2, residues 457-477): EGTLCASPNS[Thr467Arg]AVYNPAGNED

ClinVar aggregate classification (germline): Conflicting classifications of pathogenicity. Review status: criteria provided, conflicting classifications (1 of 4 stars). 5 submissions from 5 submitters: Uncertain significance (4); Likely benign (1). Last evaluated 2025-12-24.

Conditions:
Cardiomyopathy (CMYO). Also called: Cardiomyopathies. Identifiers: Orphanet 167848, MedGen C0878544, MONDO:0004994, HP:0001638. Inheritance: Various modes of inheritance.
Cardiovascular phenotype. Identifiers: MedGen CN230736.
Dilated cardiomyopathy 1DD (CMD1DD). Identifiers: Orphanet 154, MedGen C2750995, MONDO:0013168, OMIM 613172.

Allele frequency attached by ClinVar (database versions not stated): gnomAD exomes below 0.00001 and 0.00001; TOPMed 0.00001; ExAC 0.00005.
gnomAD v4.1: 6 of 1,551,338 alleles (0.00039%); highest among the groups gnomAD compares: East Asian, 0.0024%; no homozygotes.

Submissions (5):

Labcorp Genetics (formerly Invitae), Labcorp
Classification: Likely benign for Dilated cardiomyopathy 1DD. Last evaluated: 2025-12-24. Review status: criteria provided, single submitter. Criteria: Invitae Variant Classification Sherloc (09022015). Collection method: clinical testing. Allele origin: germline.

Blueprint Genetics
Classification: Uncertain significance. Last evaluated: 2024-04-09. Review status: criteria provided, single submitter. Criteria: ACMG Guidelines, 2015. Collection method: clinical testing. Allele origin: germline.

Ambry Genetics
Classification: Uncertain significance for Cardiovascular phenotype. Last evaluated: 2024-01-27. Review status: criteria provided, single submitter. Criteria: Ambry Variant Classification Scheme 2023. Collection method: clinical testing. Allele origin: germline.
Comment: The p.T467R variant (also known as c.1400C>G), located in coding exon 4 of the RBM20 gene, results from a C to G substitution at nucleotide position 1400. The threonine at codon 467 is replaced by arginine, an amino acid with similar properties. This amino acid position is well conserved in available vertebrate species. In addition, the in silico prediction for this alteration is inconclusive. Since supporting evidence is limited at this time, the clinical significance of this alteration remains unclear.

GeneDx
Classification: Uncertain significance. Last evaluated: 2021-01-14. Review status: criteria provided, single submitter. Criteria: GeneDx Variant Classification Process June 2021. Collection method: clinical testing. Allele origin: germline. Affected: yes.
Comment: Has not been previously published as pathogenic or benign to our knowledge; Reported as a variant of uncertain significance by another clinical laboratory in ClinVar (ClinVar Variant ID# 538020; Landrum et al., 2016); Not observed at a significant frequency in large population cohorts (Lek et al., 2016); In silico analysis, which includes protein predictors and evolutionary conservation, supports that this variant does not alter protein structure/function

CHEO Genetics Diagnostic Laboratory, Children's Hospital of Eastern Ontario
Classification: Uncertain significance for Cardiomyopathy. Last evaluated: 2021-01-13. Review status: criteria provided, single submitter. Criteria: ACMG Guidelines, 2015. Collection method: clinical testing. Allele origin: germline.